The following is an entry in ClinVar:

NC_000004.11:g.(?_15964081)_(16172352_?)dup

Genes: FGFBP2 (fibroblast growth factor binding protein 2; minus strand), PROM1 (prominin 1; minus strand), TAPT1 (transmembrane anterior posterior transformation 1; minus strand). Cytogenetic location: 4p15.32.
Variant type: Duplication.
Identifiers: ClinVar variation 1024709 (VCV001024709.1).

ClinVar aggregate classification (germline): Uncertain significance (1 of 4 stars; one submission).

Submission:

Labcorp Genetics (formerly Invitae), Labcorp
Classification: Uncertain significance. Last evaluated: 2020-03-24. Review status: criteria provided, single submitter. Criteria: Invitae Variant Classification Sherloc (09022015). Collection method: clinical testing. Allele origin: germline.
Comment: This variant results in a copy number gain of the genomic region encompassing the full coding sequence of the PROM1 gene. The boundaries of this event are unknown as they extend beyond the assayed region for this gene and therefore may encompass additional genes. As the precise location of this event is unknown, it may be in tandem or it may be located elsewhere in the genome. This variant has not been reported in the literature in individuals with PROM1-related conditions. Experimental studies and prediction algorithms are not available or were not evaluated, and the functional significance of this variant is currently unknown. In summary, the available evidence is currently insufficient to determine the role of this variant in disease. Therefore, it has been classified as a Variant of Uncertain Significance.